The following is an entry in ClinVar:

ClinVar aggregate classification (germline): Uncertain significance (1 of 4 stars; one submission).

Conditions:
Werner syndrome (WRN). Identifiers: Orphanet 902, MedGen C0043119, MONDO:0010196, OMIM 277700.

Submission:

Labcorp Genetics (formerly Invitae), Labcorp
Classification: Uncertain significance for Werner syndrome. Last evaluated: 2021-09-29. Review status: criteria provided, single submitter. Criteria: Invitae Variant Classification Sherloc (09022015). Collection method: clinical testing. Allele origin: germline.
Comment: In summary, the available evidence is currently insufficient to determine the role of this variant in disease. Therefore, it has been classified as a Variant of Uncertain Significance. Algorithms developed to predict the effect of missense changes on protein structure and function (SIFT, PolyPhen-2, Align-GVGD) all suggest that this variant is likely to be tolerated. This variant has not been reported in the literature in individuals affected with WRN-related conditions. This variant is not present in population databases (ExAC no frequency). This sequence change replaces asparagine with isoleucine at codon 430 of the WRN protein (p.Asn430Ile). The asparagine residue is weakly conserved and there is a large physicochemical difference between asparagine and isoleucine.

NM_000553.6(WRN):c.1289A>T (p.Asn430Ile)

Gene: WRN (WRN RecQ like helicase; plus strand). Cytogenetic location: 8p12.
Variant type: single nucleotide variant.
Coding change: c.1289A>T on transcript NM_000553.6 (MANE Select); coding-DNA position 1289, A replaced by T.
Protein change: p.Asn430Ile; replaces asparagine 430 with isoleucine.
Molecular consequence: missense variant.
Genome position (GRCh38, 1-based): chr8:31,083,718, A>T. VCF-style: chr8-31083718-A-T. GRCh37 (hg19) VCF-style: chr8-30941234-A-T.
Other names: short protein forms N430I.
Identifiers: ClinVar variation 846068 (VCV000846068.6), dbSNP rs1813411963, ClinGen allele CA370922496.
Genomic context (GRCh38, chr8:31,083,718, plus strand): 5'-TCAATTATATTGGAAATTAATGCTTAATACTTTTTTTAAAGCATTTATCTCCCAATGATA[A>T]TGAAAACGATACGTCCTATGTAATTGAGAGTGATGAAGATTTAGAAATGGAGATGCTTAA-3'
Protein context (NP_000544.2, residues 420-440): KSTEHLSPND[Asn430Ile]ENDTSYVIES